The following is an entry in ClinVar:

NM_006876.3(B4GAT1):c.688A>C (p.Met230Leu)

Gene: B4GAT1 (beta-1,4-glucuronyltransferase 1; minus strand). Cytogenetic location: 11q13.2.
Variant type: single nucleotide variant.
Coding change: c.688A>C on transcript NM_006876.3 (MANE Select); coding-DNA position 688, A replaced by C.
Protein change: p.Met230Leu; replaces methionine 230 with leucine.
Molecular consequence: missense variant.
Genome position (GRCh38, 1-based): chr11:66,346,858, T>G on the plus strand (A>C on the coding strand, the complement: B4GAT1 is on the minus strand). VCF-style: chr11-66346858-T-G. GRCh37 (hg19) VCF-style: chr11-66114329-T-G.
Other names: c.688A>C (NM_006876.2); short protein forms M230L.
Identifiers: ClinVar variation 1443578 (VCV001443578.9), dbSNP rs774850290, ClinGen allele CA6120519.

ClinVar aggregate classification (germline): Uncertain significance. Review status: criteria provided, multiple submitters, no conflicts (2 of 4 stars). 2 submissions from 2 submitters: Uncertain significance (2). Last evaluated 2022-07-22.

Conditions:
Muscular dystrophy-dystroglycanopathy (congenital with brain and eye anomalies), type A13. Also called: WALKER-WARBURG SYNDROME OR MUSCLE-EYE-BRAIN DISEASE, B3GNT1-RELATED; Muscular dystrophy-dystroglycanopathy (congenital with brain and eye anomalies), type a, 13. Identifiers: Orphanet 899, MedGen C3809042, MONDO:0014120, OMIM 615287.
Inborn genetic diseases. Identifiers: MedGen C0950123, MeSH D030342.

Allele frequency attached by ClinVar (database versions not stated): gnomAD exomes below 0.00001 and 0.00001; ExAC 0.00001.

Submissions (2):

Ambry Genetics
Classification: Uncertain significance for Inborn genetic diseases. Last evaluated: 2022-07-22. Review status: criteria provided, single submitter. Criteria: Ambry Variant Classification Scheme 2023. Collection method: clinical testing. Allele origin: germline.

Labcorp Genetics (formerly Invitae), Labcorp
Classification: Uncertain significance for Muscular dystrophy-dystroglycanopathy (congenital with brain and eye anomalies), type A13. Last evaluated: 2022-06-20. Review status: criteria provided, single submitter. Criteria: Invitae Variant Classification Sherloc (09022015). Collection method: clinical testing. Allele origin: germline.
Comment: In summary, the available evidence is currently insufficient to determine the role of this variant in disease. Therefore, it has been classified as a Variant of Uncertain Significance. Algorithms developed to predict the effect of missense changes on protein structure and function (SIFT, PolyPhen-2, Align-GVGD) all suggest that this variant is likely to be tolerated. This variant has not been reported in the literature in individuals affected with B4GAT1-related conditions. This variant is present in population databases (rs774850290, gnomAD 0.0009%). This sequence change replaces methionine, which is neutral and non-polar, with leucine, which is neutral and non-polar, at codon 230 of the B4GAT1 protein (p.Met230Leu).